The following is an entry in ClinVar:

NM_002485.5(NBN):c.917C>T (p.Pro306Leu)

Gene: NBN (nibrin; minus strand). Cytogenetic location: 8q21.3.
Variant type: single nucleotide variant.
Coding change: c.917C>T on transcript NM_002485.5 (MANE Select); coding-DNA position 917, C replaced by T.
Protein change: p.Pro306Leu; replaces proline 306 with leucine.
Molecular consequence: missense variant.
Genome position (GRCh38, 1-based): chr8:89,964,487, G>A on the plus strand (C>T on the coding strand, the complement: NBN is on the minus strand). VCF-style: chr8-89964487-G-A. GRCh37 (hg19) VCF-style: chr8-90976715-G-A.
Other names: c.671C>T, p.Pro224Leu (NM_001024688.3); short protein forms P306L, P224L.
Identifiers: ClinVar variation 661097 (VCV000661097.8), dbSNP rs1563548981, ClinGen allele CA371657094.

ClinVar aggregate classification (germline): Uncertain significance. Review status: criteria provided, multiple submitters, no conflicts (2 of 4 stars). 2 submissions from 2 submitters: Uncertain significance (2). Last evaluated 2022-01-06.

Conditions:
Microcephaly, normal intelligence and immunodeficiency (NBS). Also called: Microcephaly with normal intelligence immunodeficiency and lymphoreticular malignancies; Nonsyndromal microcephaly autosomal recessive with normal intelligence; Seemanova syndrome 2; Immunodeficiency, microcephaly with normal intelligence; SEEMANOVA SYNDROME II; Ataxia telangiectasia variant V1. Identifiers: Orphanet 647, MedGen C0398791, MONDO:0009623, OMIM 251260.
Hereditary cancer-predisposing syndrome. Also called: Neoplastic Syndromes, Hereditary; Hereditary neoplastic syndrome; Tumor predisposition; Hereditary Cancer Syndrome. Identifiers: Orphanet 140162, MedGen C0027672, MeSH D009386, MONDO:0015356.

Allele frequency attached by ClinVar (database versions not stated): gnomAD exomes 0.00001.
gnomAD v4.1: 4 of 1,605,166 alleles (0.00025%); highest among the groups gnomAD compares: Non-Finnish European, 0.00034%; no homozygotes.

Submissions (2):

Labcorp Genetics (formerly Invitae), Labcorp
Classification: Uncertain significance for Microcephaly, normal intelligence and immunodeficiency. Last evaluated: 2022-01-06. Review status: criteria provided, single submitter. Criteria: Invitae Variant Classification Sherloc (09022015). Collection method: clinical testing. Allele origin: germline.
Comment: This sequence change replaces proline, which is neutral and non-polar, with leucine, which is neutral and non-polar, at codon 306 of the NBN protein (p.Pro306Leu). This variant is not present in population databases (gnomAD no frequency). This variant has not been reported in the literature in individuals affected with NBN-related conditions. ClinVar contains an entry for this variant (Variation ID: 661097). Algorithms developed to predict the effect of missense changes on protein structure and function are either unavailable or do not agree on the potential impact of this missense change (SIFT: "Deleterious"; PolyPhen-2: "Probably Damaging"; Align-GVGD: "Class C0"). In summary, the available evidence is currently insufficient to determine the role of this variant in disease. Therefore, it has been classified as a Variant of Uncertain Significance.

Ambry Genetics
Classification: Uncertain significance for Hereditary cancer-predisposing syndrome. Last evaluated: 2021-11-16. Review status: criteria provided, single submitter. Criteria: Ambry Variant Classification Scheme 2023. Collection method: clinical testing. Allele origin: germline.
Comment: The p.P306L variant (also known as c.917C>T), located in coding exon 8 of the NBN gene, results from a C to T substitution at nucleotide position 917. The proline at codon 306 is replaced by leucine, an amino acid with similar properties. This amino acid position is conserved. In addition, the in silico prediction for this alteration is inconclusive. Since supporting evidence is limited at this time, the clinical significance of this alteration remains unclear.